The following is an entry in ClinVar:

ClinVar aggregate classification (germline): Uncertain significance (1 of 4 stars; one submission).

Conditions:
ITPR1-related disorder. Also called: ITPR1-related condition.

Submission:

PreventionGenetics, part of Exact Sciences
Classification: Uncertain significance for ITPR1-related condition. Last evaluated: 2025-06-11. Review status: criteria provided, single submitter. Criteria: ACMG Guidelines, 2015. Collection method: clinical testing. Allele origin: germline.
Comment: The ITPR1 c.6282delC variant is predicted to result in a frameshift and premature protein termination (p.Arg2095Glyfs*10). To our knowledge, this variant has not been reported in the literature or in a large population database (gnomAD), indicating this variant is rare. Although we suspect that this variant may be pathogenic, at this time, the clinical significance of this variant is uncertain due to the absence of conclusive functional and genetic evidence.

NM_001378452.1(ITPR1):c.6471del (p.Arg2158fs)

Gene: ITPR1 (inositol 1,4,5-trisphosphate receptor type 1; plus strand). Cytogenetic location: 3p26.1.
Variant type: Deletion.
Coding change: c.6471del on transcript NM_001378452.1 (MANE Select); coding-DNA position 6471, one base deleted (C; older notation c.6471delC).
Protein change: p.Arg2158fs; shifts the reading frame from arginine 2158.
Molecular consequence: frameshift variant.
Genome position (GRCh38, 1-based): chr3:4,782,702, C deleted; the last of 5 consecutive C bases (chr3:4,782,698-4,782,702); deleting any one gives the same sequence. VCF-style (leftmost placement, unchanged base first): chr3-4782697-TC-T. GRCh37 (hg19) VCF-style: chr3-4824381-TC-T.
Other names: c.6327del, p.Arg2110fs (NM_001099952.4); c.6426del, p.Arg2143fs (NM_001168272.2); c.6282del, p.Arg2095fs (NM_002222.7); short protein forms R2110fs, R2095fs, R2143fs, R2158fs.
Identifiers: ClinVar variation 5002062 (VCV005002062.1).
Genomic context (GRCh38, chr3:4,782,697, plus strand): 5'-GCCTACATGCAAGGTGAAGTGGAATTTGAGGATGGAGAAAACGGTGAGGATGGGGCGGCG[TC>T]CCCCAGGAACGTGGGGCACAACATCTACATATTAGCCCATCAGGTATGATCTCTCCTGTG-3'